The following is an entry in ClinVar:

NM_006231.4(POLE):c.5975G>T (p.Cys1992Phe)

Gene: POLE (DNA polymerase epsilon, catalytic subunit; minus strand). Cytogenetic location: 12q24.33.
Variant type: single nucleotide variant.
Coding change: c.5975G>T on transcript NM_006231.4 (MANE Select); coding-DNA position 5975, G replaced by T.
Protein change: p.Cys1992Phe; replaces cysteine 1992 with phenylalanine.
Molecular consequence: missense variant.
Genome position (GRCh38, 1-based): chr12:132,634,215, C>A on the plus strand (G>T on the coding strand, the complement: POLE is on the minus strand). VCF-style: chr12-132634215-C-A. GRCh37 (hg19) VCF-style: chr12-133210801-C-A.
Other names: c.5975G>T (NM_006231.2); short protein forms C1992F.
Identifiers: ClinVar variation 640921 (VCV000640921.11), dbSNP rs1593711885, ClinGen allele CA387371465.
Genomic context (GRCh38, chr12:132,634,215, plus strand): 5'-GGGGCTGCGCAGCCCTGGGCTCTGGGCTTACCTGAAACAATCATGAGGAAGTAGTTCTGG[C>A]AGGAGGCTGCCTGTGGCAAAAACTGCAAAATGTTCCAGTTGTTTTCCAGTAAATCCTCCA-3'
Protein context (NP_006222.2, residues 1982-2002): ILQFLPQAAS[Cys1992Phe]QNYFLMIVSA

ClinVar aggregate classification (germline): Uncertain significance. Review status: criteria provided, multiple submitters, no conflicts (2 of 4 stars). 3 submissions from 3 submitters: Uncertain significance (3). Last evaluated 2024-09-08.

Conditions:
Hereditary cancer-predisposing syndrome. Also called: Neoplastic Syndromes, Hereditary; Tumor predisposition; Hereditary Cancer Syndrome; Hereditary neoplastic syndrome. Identifiers: Orphanet 140162, MedGen C0027672, MeSH D009386, MONDO:0015356.

Allele frequency attached by ClinVar (database versions not stated): gnomAD 0.00001; TOPMed 0.00001.
gnomAD v4.1: 1 of 1,613,516 alleles (0.000062%); highest among the groups gnomAD compares: Non-Finnish European, 0.000085%; no homozygotes.

Submissions (3):

Labcorp Genetics (formerly Invitae), Labcorp
Classification: Uncertain significance. Last evaluated: 2024-09-08. Review status: criteria provided, single submitter. Criteria: Invitae Variant Classification Sherloc (09022015). Collection method: clinical testing. Allele origin: germline.
Comment: This sequence change replaces cysteine, which is neutral and slightly polar, with phenylalanine, which is neutral and non-polar, at codon 1992 of the POLE protein (p.Cys1992Phe). This variant is not present in population databases (gnomAD no frequency). This variant has not been reported in the literature in individuals affected with POLE-related conditions. ClinVar contains an entry for this variant (Variation ID: 640921). Invitae Evidence Modeling of protein sequence and biophysical properties (such as structural, functional, and spatial information, amino acid conservation, physicochemical variation, residue mobility, and thermodynamic stability) indicates that this missense variant is not expected to disrupt POLE protein function with a negative predictive value of 80%. In summary, the available evidence is currently insufficient to determine the role of this variant in disease. Therefore, it has been classified as a Variant of Uncertain Significance.

GeneDx
Classification: Uncertain significance. Last evaluated: 2023-08-04. Review status: criteria provided, single submitter. Criteria: GeneDx Variant Classification Process June 2021. Collection method: clinical testing. Allele origin: germline. Affected: yes.
Comment: Not observed at significant frequency in large population cohorts (gnomAD); In silico analysis supports that this missense variant has a deleterious effect on protein structure/function; Has not been previously published as pathogenic or benign to our knowledge

Ambry Genetics
Classification: Uncertain significance for Hereditary cancer-predisposing syndrome. Last evaluated: 2023-03-31. Review status: criteria provided, single submitter. Criteria: Ambry Variant Classification Scheme 2023. Collection method: clinical testing. Allele origin: germline.
Comment: The p.C1992F variant (also known as c.5975G>T), located in coding exon 43 of the POLE gene, results from a G to T substitution at nucleotide position 5975. The cysteine at codon 1992 is replaced by phenylalanine, an amino acid with highly dissimilar properties. This amino acid position is conserved. In addition, this alteration is predicted to be deleterious by in silico analysis. Since supporting evidence is limited at this time, the clinical significance of this alteration remains unclear.